The following is an entry in ClinVar:

NM_015135.3(NUP205):c.1131G>T (p.Val377=)

Gene: NUP205 (nucleoporin 205; plus strand). Cytogenetic location: 7q33.
Variant type: single nucleotide variant.
Coding change: c.1131G>T on transcript NM_015135.3 (MANE Select); coding-DNA position 1131, G replaced by T.
Protein change: p.Val377=; no amino-acid change (valine 377 retained).
Molecular consequence: synonymous variant.
Genome position (GRCh38, 1-based): chr7:135,584,920, G>T. VCF-style: chr7-135584920-G-T. GRCh37 (hg19) VCF-style: chr7-135269668-G-T.
Other names: c.57G>T, p.Val19= (NM_001329434.2); c.1131G>T (NM_015135.2).
Identifiers: ClinVar variation 2047060 (VCV002047060.9), dbSNP rs146516345, ClinGen allele CA4498022.

ClinVar aggregate classification (germline): Likely benign. Review status: criteria provided, multiple submitters, no conflicts (2 of 4 stars). 4 submissions from 4 submitters: Likely benign (3). 1 of the submissions does not count toward it. Last evaluated 2026-04-01.

Conditions:
NUP205-related disorder. Also called: NUP205-related condition.

Allele frequency attached by ClinVar (database versions not stated): ExAC 0.00003; gnomAD 0.00003; TOPMed 0.00012; 1000 Genomes Project 30x 0.00031; 1000 Genomes Project 0.00040.

Submissions (4):

CeGaT Center for Human Genetics Tuebingen
Classification: Likely benign. Last evaluated: 2026-04-01. Review status: criteria provided, single submitter. Criteria: CeGaT Center For Human Genetics Tuebingen Variant Classification Criteria Version 2. Collection method: clinical testing. Allele origin: germline. Affected: yes. Observed: 1 variant allele.
Comment: NUP205: BP4, BP7

Labcorp Genetics (formerly Invitae), Labcorp
Classification: Likely benign. Last evaluated: 2025-11-06. Review status: criteria provided, single submitter. Criteria: Invitae Variant Classification Sherloc (09022015). Collection method: clinical testing. Allele origin: germline.

Blueprint Genetics
Classification: Likely benign. Last evaluated: 2024-09-26. Review status: criteria provided, single submitter. Criteria: ACMG Guidelines, 2015. Collection method: clinical testing. Allele origin: germline.

PreventionGenetics, part of Exact Sciences
Classification: Likely benign for NUP205-related condition. Last evaluated: 2019-06-26. Review status: no assertion criteria provided. Collection method: clinical testing. Allele origin: germline. Not counted in ClinVar's aggregate classification.
Comment: This variant is classified as likely benign based on ACMG/AMP sequence variant interpretation guidelines (Richards et al. 2015 PMID: 25741868, with internal and published modifications).